The following is an entry in ClinVar:

ClinVar aggregate classification (germline): Benign/Likely benign. Review status: criteria provided, multiple submitters, no conflicts (2 of 4 stars). 3 submissions from 3 submitters: Benign (1); Likely benign (2). Last evaluated 2025-11-01.

Allele frequency attached by ClinVar (database versions not stated): ESP Exome Variant Server 0.00189; 1000 Genomes Project 30x 0.00203; 1000 Genomes Project 0.00220; TOPMed 0.00237.
gnomAD v4.1: 670 of 1,613,018 alleles (0.042%); highest among the groups gnomAD compares: African/African-American, 0.79%; 2 homozygotes.

Submissions (6):

CeGaT Center for Human Genetics Tuebingen
Classification: Likely benign. Last evaluated: 2025-11-01. Review status: criteria provided, single submitter. Criteria: CeGaT Center For Human Genetics Tuebingen Variant Classification Criteria Version 2. Collection method: clinical testing. Allele origin: germline. Affected: yes. Observed: 1 variant allele.
Comment: CASZ1: BP4, BP7, BS1

Labcorp Genetics (formerly Invitae), Labcorp
Classification: Benign. Last evaluated: 2025-02-18. Review status: criteria provided, single submitter. Criteria: Invitae Variant Classification Sherloc (09022015). Collection method: clinical testing. Allele origin: germline.

Blueprint Genetics
Classification: Likely benign. Last evaluated: 2024-05-13. Review status: criteria provided, single submitter. Criteria: ACMG Guidelines, 2015. Collection method: clinical testing. Allele origin: germline.

Dr. Peter K. Rogan Lab, Western University
No classification provided (evidence only). Condition: Cervical cancer. Review status: no classification provided. Collection method: in vitro. Allele origin: not applicable. Functional consequence: retained intron. Not counted in ClinVar's aggregate classification.

Dr. Peter K. Rogan Lab, Western University
No classification provided (evidence only). Condition: Lung cancer. Review status: no classification provided. Collection method: in vitro. Allele origin: not applicable. Functional consequence: retained intron. Not counted in ClinVar's aggregate classification.

Dr. Peter K. Rogan Lab, Western University
No classification provided (evidence only). Condition: Familial cancer of breast. Review status: no classification provided. Collection method: in vitro. Allele origin: not applicable. Functional consequence: retained intron. Not counted in ClinVar's aggregate classification.

NM_001079843.3(CASZ1):c.4086C>T (p.Gly1362=)

Gene: CASZ1 (castor zinc finger 1; minus strand). Cytogenetic location: 1p36.22.
Variant type: single nucleotide variant.
Coding change: c.4086C>T on transcript NM_001079843.3 (MANE Select); coding-DNA position 4086, C replaced by T.
Protein change: p.Gly1362=; no amino-acid change (glycine 1362 retained).
Molecular consequence: synonymous variant.
Genome position (GRCh38, 1-based): chr1:10,642,935, G>A on the plus strand (C>T on the coding strand, the complement: CASZ1 is on the minus strand). VCF-style: chr1-10642935-G-A. GRCh37 (hg19) VCF-style: chr1-10702992-G-A.
Identifiers: ClinVar variation 725263 (VCV000725263.16), dbSNP rs183558878, ClinGen allele CA584288.